The following is an entry in ClinVar:

NM_000092.5(COL4A4):c.2456G>T (p.Gly819Val)

Gene: COL4A4 (collagen type IV alpha 4 chain; minus strand). Cytogenetic location: 2q36.3.
Variant type: single nucleotide variant.
Coding change: c.2456G>T on transcript NM_000092.5 (MANE Select); coding-DNA position 2456, G replaced by T.
Protein change: p.Gly819Val; replaces glycine 819 with valine.
Molecular consequence: missense variant.
Genome position (GRCh38, 1-based): chr2:227,057,528, C>A on the plus strand (G>T on the coding strand, the complement: COL4A4 is on the minus strand). VCF-style: chr2-227057528-C-A. GRCh37 (hg19) VCF-style: chr2-227922244-C-A.
Other names: short protein forms G819V.
Identifiers: ClinVar variation 804580 (VCV000804580.11), dbSNP rs1576189036, ClinGen allele CA350841342.

ClinVar aggregate classification (germline): Conflicting classifications of pathogenicity. Review status: criteria provided, conflicting classifications (1 of 4 stars). 4 submissions from 4 submitters: Likely pathogenic (3); Uncertain significance (1). Last evaluated 2025-09-18.

Conditions:
Hematuria, benign familial, 1 (BFH1). Also called: THIN MEMBRANE NEPHROPATHY. Identifiers: MedGen CN376803, MONDO:0007709, OMIM 141200.
Autosomal recessive Alport syndrome (ATS2). Also called: COL4A4 Alport Syndrome and Thin Basement Membrane Nephropathy; COL4A3-Related Nephropathy; ALPORT SYNDROME 2, AUTOSOMAL RECESSIVE; Alport syndrome type 2. Identifiers: Orphanet 63, Orphanet 88919, MedGen C4746745, MONDO:0008762, OMIM 203780.
Alport syndrome. Also called: Hemorrhagic familial nephritis; Hemorrhagic hereditary nephritis; Congenital hereditary hematuria. Identifiers: Orphanet 63, MedGen C1567741, MONDO:0018965.

Submissions (4):

Natera, Inc.
Classification: Likely pathogenic for Alport syndrome. Last evaluated: 2025-09-18. Review status: criteria provided, single submitter. Criteria: Natera Variant Classification Schema (03/2026). Collection method: clinical testing. Allele origin: germline.
Comment: The c.2456G>T variant in COL4A4 is a missense variant predicted to cause substitution of glycine to valine at amino acid 819. This variant is rare in the general population with a frequency below the threshold expected for the associated phenotype(s). This variant is located in a functionally critical region of the protein. Computational prediction algorithms indicate this variant is likely to affect gene or protein function. Given the available evidence, this variant is classified as Likely Pathogenic.

Fulgent Genetics
Classification: Likely pathogenic for Hematuria, benign familial, 1; Autosomal recessive Alport syndrome. Last evaluated: 2024-06-12. Review status: criteria provided, single submitter. Criteria: ACMG Guidelines, 2015. Collection method: clinical testing. Allele origin: germline.

Labcorp Genetics (formerly Invitae), Labcorp
Classification: Uncertain significance. Last evaluated: 2021-07-21. Review status: criteria provided, single submitter. Criteria: Invitae Variant Classification Sherloc (09022015). Collection method: clinical testing. Allele origin: germline.
Comment: This sequence change replaces glycine with valine at codon 819 of the COL4A4 protein (p.Gly819Val). The glycine residue is highly conserved and there is a moderate physicochemical difference between glycine and valine. In summary, the available evidence is currently insufficient to determine the role of this variant in disease. Therefore, it has been classified as a Variant of Uncertain Significance. Advanced modeling of protein sequence and biophysical properties (such as structural, functional, and spatial information, amino acid conservation, physicochemical variation, residue mobility, and thermodynamic stability) performed at Invitae indicates that this missense variant is expected to disrupt COL4A4 protein function. ClinVar contains an entry for this variant (Variation ID: 804580). This variant has not been reported in the literature in individuals affected with COL4A4-related conditions. This variant is not present in population databases (ExAC no frequency).

Athena Diagnostics
Classification: Likely pathogenic. Last evaluated: 2018-10-29. Review status: criteria provided, single submitter. Criteria: Athena Diagnostics Criteria. Collection method: clinical testing. Allele origin: germline.
Comment: The variant disrupts a glycine residue in the canonical Gly-X-Y repeats of the triple helix domain, which are required for stability and structure of this protein. Therefore it is expected to severely affect the function of the protein. Not found in the total gnomAD dataset, and the data is high quality (0/248928 chr).